The following is an entry in ClinVar:

ClinVar aggregate classification (germline): Uncertain significance (1 of 4 stars; one submission).

Conditions:
Hereditary cancer-predisposing syndrome. Also called: Hereditary neoplastic syndrome; Neoplastic Syndromes, Hereditary; Tumor predisposition; Hereditary Cancer Syndrome. Identifiers: Orphanet 140162, MedGen C0027672, MeSH D009386, MONDO:0015356.

Submission:

Ambry Genetics
Classification: Uncertain significance for Hereditary cancer-predisposing syndrome. Last evaluated: 2025-08-13. Review status: criteria provided, single submitter. Criteria: Ambry Variant Classification Scheme 2023. Collection method: clinical testing. Allele origin: germline.
Comment: The p.A1325E variant (also known as c.3974C>A), located in coding exon 15 of the APC gene, results from a C to A substitution at nucleotide position 3974. The alanine at codon 1325 is replaced by glutamic acid, an amino acid with dissimilar properties. This amino acid position is conserved. In addition, in silico predictors for this gene do not accurately predict pathogenicity. Based on the available evidence, the clinical significance of this variant remains unclear.

NM_000038.6(APC):c.3974C>A (p.Ala1325Glu)

Gene: APC (APC regulator of Wnt signaling pathway; plus strand). Cytogenetic location: 5q22.2.
Variant type: single nucleotide variant.
Coding change: c.3974C>A on transcript NM_000038.6 (MANE Select); coding-DNA position 3974, C replaced by A.
Protein change: p.Ala1325Glu; replaces alanine 1325 with glutamic acid.
Molecular consequence: missense variant. On other transcripts: non-coding transcript variant (2).
Genome position (GRCh38, 1-based): chr5:112,839,568, C>A. VCF-style: chr5-112839568-C-A. GRCh37 (hg19) VCF-style: chr5-112175265-C-A.
Other names: c.3797C>A, p.Ala1266Glu (NM_001354901.2, NM_001407453.1); c.3701C>A, p.Ala1234Glu (NM_001354902.2); c.3671C>A, p.Ala1224Glu (NM_001354903.2, NM_001407458.1, NM_001407459.1 and 1 more transcripts); c.3596C>A, p.Ala1199Glu (NM_001354904.2); c.3494C>A, p.Ala1165Glu (NM_001354905.2); c.3125C>A, p.Ala1042Glu (NM_001354906.2, NM_001407470.1); c.4004C>A, p.Ala1335Glu (NM_001354897.2); c.3899C>A, p.Ala1300Glu (NM_001354898.2); and 11 more; short protein forms A1042E, A1196E, A1242E, A1307E, A1335E, A1165E, A1199E, A1234E.
Identifiers: ClinVar variation 4121459 (VCV004121459.1).